The following is an entry in ClinVar:

NM_000294.3(PHKG2):c.986G>A (p.Arg329Gln)

Gene: PHKG2 (phosphorylase kinase catalytic subunit gamma 2; plus strand). Cytogenetic location: 16p11.2.
Variant type: single nucleotide variant.
Coding change: c.986G>A on transcript NM_000294.3 (MANE Select); coding-DNA position 986, G replaced by A.
Protein change: p.Arg329Gln; replaces arginine 329 with glutamine.
Molecular consequence: missense variant.
Genome position (GRCh38, 1-based): chr16:30,756,862, G>A. VCF-style: chr16-30756862-G-A. GRCh37 (hg19) VCF-style: chr16-30768183-G-A.
Other names: c.986G>A, p.Arg329Gln (NM_001172432.2); short protein forms R329Q.
Identifiers: ClinVar variation 2070903 (VCV002070903.2), dbSNP rs200724536, ClinGen allele CA8013376.
Genomic context (GRCh38, chr16:30,756,862, plus strand): 5'-AGGTGGCAGTGTGGACAGTGCTGGCTGCTGGACGAGTGGCCCTAAGCACCCATCGTGTAC[G>A]GCCACTGACCAAGAATGCACTGTTGAGGGACCCTTATGCGCTGCGGTCAGTGCGGCACCT-3'
Protein context (NP_000285.1, residues 319-339): GRVALSTHRV[Arg329Gln]PLTKNALLRD

ClinVar aggregate classification (germline): Uncertain significance. Review status: criteria provided, multiple submitters, no conflicts (2 of 4 stars). 2 submissions from 2 submitters: Uncertain significance (2). Last evaluated 2023-12-14.

Conditions:
Glycogen storage disease IXc (GSD9C). Also called: GSD IXc. Identifiers: Orphanet 264580, MedGen C2751643, MONDO:0013091, OMIM 613027.

Allele frequency attached by ClinVar (database versions not stated): 1000 Genomes Project 30x 0.00016; 1000 Genomes Project 0.00020.

Submissions (2):

Women's Health and Genetics/Laboratory Corporation of America, LabCorp
Classification: Uncertain significance. Last evaluated: 2023-12-14. Review status: criteria provided, single submitter. Criteria: LabCorp Variant Classification Summary - May 2015. Collection method: clinical testing. Allele origin: germline.
Comment: Variant summary: PHKG2 c.986G>A (p.Arg329Gln) results in a conservative amino acid change in the encoded protein sequence. Three of five in-silico tools predict a benign effect of the variant on protein function. The variant allele was found at a frequency of 0.00013 in 251142 control chromosomes. This frequency is not significantly higher than estimated for a pathogenic variant in PHKG2 causing Glycogen Phosphorylase Kinase Deficiency (0.00013 vs 0.0011), allowing no conclusion about variant significance. c.986G>A has been reported in the literature in one individual with hypoglycemia but not meeting the diagnosis of Glycogen Phosphorylase Kinase Deficiency, without strong evidence for causality (Wang_2013). These report(s) do not provide unequivocal conclusions about association of the variant with Glycogen Phosphorylase Kinase Deficiency. To our knowledge, no experimental evidence demonstrating an impact on protein function has been reported. The following publication have been ascertained in the context of this evaluation (PMID: 22899091). One submitter has cited clinical-significance assessments for this variant to ClinVar after 2014 and has classified the variant as uncertain significance. Based on the evidence outlined above, the variant was classified as uncertain significance.

Labcorp Genetics (formerly Invitae), Labcorp
Classification: Uncertain significance for Glycogen storage disease IXc. Last evaluated: 2022-10-19. Review status: criteria provided, single submitter. Criteria: Invitae Variant Classification Sherloc (09022015). Collection method: clinical testing. Allele origin: germline.
Comment: This sequence change replaces arginine, which is basic and polar, with glutamine, which is neutral and polar, at codon 329 of the PHKG2 protein (p.Arg329Gln). This variant is present in population databases (rs200724536, gnomAD 0.1%). This missense change has been observed in individual(s) with glycogen storage disease (PMID: 22899091). Advanced modeling of protein sequence and biophysical properties (such as structural, functional, and spatial information, amino acid conservation, physicochemical variation, residue mobility, and thermodynamic stability) performed at Invitae indicates that this missense variant is not expected to disrupt PHKG2 protein function. In summary, the available evidence is currently insufficient to determine the role of this variant in disease. Therefore, it has been classified as a Variant of Uncertain Significance.

Literature cited by the submitters: PubMed 22899091 (cited by Women's Health and Genetics/Laboratory Corporation of America, LabCorp and Labcorp Genetics (formerly Invitae), Labcorp).